The following is an entry in ClinVar:

NM_002224.4(ITPR3):c.4767G>A (p.Lys1589=)

Gene: ITPR3 (inositol 1,4,5-trisphosphate receptor type 3; plus strand). Cytogenetic location: 6p21.31.
Variant type: single nucleotide variant.
Coding change: c.4767G>A on transcript NM_002224.4 (MANE Select); coding-DNA position 4767, G replaced by A.
Protein change: p.Lys1589=; no amino-acid change (lysine 1589 retained).
Molecular consequence: synonymous variant.
Genome position (GRCh38, 1-based): chr6:33,683,376, G>A. VCF-style: chr6-33683376-G-A. GRCh37 (hg19) VCF-style: chr6-33651153-G-A.
Identifiers: ClinVar variation 3354740 (VCV003354740.1).

ClinVar aggregate classification (germline): Likely benign (0 of 4 stars; one submission).

Conditions:
ITPR3-related disorder. Also called: ITPR3-related condition.

gnomAD v4.1: 8 of 1,582,534 alleles (0.00051%); highest among the groups gnomAD compares: African/African-American, 0.0067%; no homozygotes.

Submission:

PreventionGenetics, part of Exact Sciences
Classification: Likely benign for ITPR3-related condition. Last evaluated: 2019-09-17. Review status: no assertion criteria provided. Collection method: clinical testing. Allele origin: germline.
Comment: This variant is classified as likely benign based on ACMG/AMP sequence variant interpretation guidelines (Richards et al. 2015 PMID: 25741868, with internal and published modifications).